The following is an entry in ClinVar:

NM_001367479.1(DNAH14):c.6365C>T (p.Thr2122Ile)

Gene: DNAH14 (dynein axonemal heavy chain 14; plus strand). Cytogenetic location: 1q42.12.
Variant type: single nucleotide variant.
Coding change: c.6365C>T on transcript NM_001367479.1 (MANE Select); coding-DNA position 6365, C replaced by T.
Protein change: p.Thr2122Ile; replaces threonine 2122 with isoleucine.
Molecular consequence: missense variant.
Genome position (GRCh38, 1-based): chr1:225,207,146, C>T. VCF-style: chr1-225207146-C-T. GRCh37 (hg19) VCF-style: chr1-225394848-C-T.
Other names: NM_001373.1:c.6299C>T; short protein forms T2122I.
Identifiers: ClinVar variation 3503189 (VCV003503189.3).

ClinVar aggregate classification (germline): Uncertain significance. Review status: criteria provided, multiple submitters, no conflicts (2 of 4 stars). 2 submissions from 2 submitters: Uncertain significance (2). Last evaluated 2025-11-11.

gnomAD v4.1: 101 of 1,550,654 alleles (0.0065%); highest among the groups gnomAD compares: Non-Finnish European, 0.0079%; no homozygotes.

Submissions (2):

GeneDx
Classification: Uncertain significance. Last evaluated: 2025-11-11. Review status: criteria provided, single submitter. Criteria: GeneDx Variant Classification Process June 2021. Collection method: clinical testing. Allele origin: germline.
Comment: In silico analysis supports that this missense variant has a deleterious effect on protein structure/function; Has not been previously published as pathogenic or benign to our knowledge

Ambry Genetics
Classification: Uncertain significance. Last evaluated: 2024-12-06. Review status: criteria provided, single submitter. Criteria: Ambry Variant Classification Scheme 2023. Collection method: clinical testing. Allele origin: germline.